The following is an entry in ClinVar:

NM_014918.5(CHSY1):c.691G>T (p.Val231Leu)

Gene: CHSY1 (chondroitin sulfate synthase 1; minus strand). Cytogenetic location: 15q26.3.
Variant type: single nucleotide variant.
Coding change: c.691G>T on transcript NM_014918.5 (MANE Select); coding-DNA position 691, G replaced by T.
Protein change: p.Val231Leu; replaces valine 231 with leucine.
Molecular consequence: missense variant.
Genome position (GRCh38, 1-based): chr15:101,235,207, C>A on the plus strand (G>T on the coding strand, the complement: CHSY1 is on the minus strand). VCF-style: chr15-101235207-C-A. GRCh37 (hg19) VCF-style: chr15-101775412-C-A.
Other names: short protein forms V231L.
Identifiers: ClinVar variation 1486108 (VCV001486108.8), dbSNP rs2038928981, ClinGen allele CA393967609.

ClinVar aggregate classification (germline): Uncertain significance (1 of 4 stars; one submission).

Conditions:
Temtamy preaxial brachydactyly syndrome (TPBS). Identifiers: Orphanet 363417, MedGen C1854466, MONDO:0011533, OMIM 605282.

Allele frequency attached by ClinVar (database versions not stated): TOPMed below 0.00001.
gnomAD v4.1: 1 of 1,613,936 alleles (0.000062%); highest among the groups gnomAD compares: Non-Finnish European, 0.000085%; no homozygotes.

Submission:

Labcorp Genetics (formerly Invitae), Labcorp
Classification: Uncertain significance for Temtamy preaxial brachydactyly syndrome. Last evaluated: 2022-02-05. Review status: criteria provided, single submitter. Criteria: Invitae Variant Classification Sherloc (09022015). Collection method: clinical testing. Allele origin: germline.
Comment: In summary, the available evidence is currently insufficient to determine the role of this variant in disease. Therefore, it has been classified as a Variant of Uncertain Significance. Algorithms developed to predict the effect of missense changes on protein structure and function are either unavailable or do not agree on the potential impact of this missense change (SIFT: "Tolerated"; PolyPhen-2: "Possibly Damaging"; Align-GVGD: "Class C0"). This variant has not been reported in the literature in individuals affected with CHSY1-related conditions. This variant is not present in population databases (gnomAD no frequency). This sequence change replaces valine, which is neutral and non-polar, with leucine, which is neutral and non-polar, at codon 231 of the CHSY1 protein (p.Val231Leu).